The following is an entry in ClinVar:

ClinVar aggregate classification (germline): Uncertain significance (1 of 4 stars; one submission).

Allele frequency attached by ClinVar (database versions not stated): gnomAD exomes below 0.00001; gnomAD 0.00001.
gnomAD v4.1: 4 of 1,613,542 alleles (0.00025%); highest among the groups gnomAD compares: African/African-American, 0.0027%; no homozygotes.

Submission:

Labcorp Genetics (formerly Invitae), Labcorp
Classification: Uncertain significance. Last evaluated: 2025-11-25. Review status: criteria provided, single submitter. Criteria: Invitae Variant Classification Sherloc (09022015). Collection method: clinical testing. Allele origin: germline.
Comment: This sequence change replaces alanine, which is neutral and non-polar, with serine, which is neutral and polar, at codon 578 of the CACNA1D protein (p.Ala578Ser). This variant is present in population databases (no rsID available, gnomAD 0.01%). This variant has not been reported in the literature in individuals affected with CACNA1D-related conditions. ClinVar contains an entry for this variant (Variation ID: 1923824). Invitae Evidence Modeling of protein sequence and biophysical properties (such as structural, functional, and spatial information, amino acid conservation, physicochemical variation, residue mobility, and thermodynamic stability) indicates that this missense variant is not expected to disrupt CACNA1D protein function with a negative predictive value of 80%. In summary, the available evidence is currently insufficient to determine the role of this variant in disease. Therefore, it has been classified as a Variant of Uncertain Significance.

NM_001128840.3(CACNA1D):c.1672G>T (p.Ala558Ser)

Gene: CACNA1D (calcium voltage-gated channel subunit alpha1 D; plus strand). Cytogenetic location: 3p21.1.
Variant type: single nucleotide variant.
Coding change: c.1672G>T on transcript NM_001128840.3 (MANE Select); coding-DNA position 1672, G replaced by T.
Protein change: p.Ala558Ser; replaces alanine 558 with serine.
Molecular consequence: missense variant.
Genome position (GRCh38, 1-based): chr3:53,723,439, G>T. VCF-style: chr3-53723439-G-T. GRCh37 (hg19) VCF-style: chr3-53757466-G-T.
Other names: c.1732G>T, p.Ala578Ser (NM_000720.4); c.1672G>T, p.Ala558Ser (NM_001128839.3); short protein forms A558S, A578S.
Identifiers: ClinVar variation 1923824 (VCV001923824.5), dbSNP rs1031479842, ClinGen allele CA74848121.